The following is an entry in ClinVar:

ClinVar aggregate classification (germline): Uncertain significance (1 of 4 stars; one submission).

Conditions:
ANKRD1-related dilated cardiomyopathy. Identifiers: MedGen CN119551.

Allele frequency attached by ClinVar (database versions not stated): gnomAD exomes 0.00001.
gnomAD v4.1: 8 of 1,614,062 alleles (0.0005%); highest among the groups gnomAD compares: Non-Finnish European, 0.00068%; no homozygotes.

Submission:

Labcorp Genetics (formerly Invitae), Labcorp
Classification: Uncertain significance for ANKRD1-related dilated cardiomyopathy. Last evaluated: 2023-01-29. Review status: criteria provided, single submitter. Criteria: Invitae Variant Classification Sherloc (09022015). Collection method: clinical testing. Allele origin: germline.
Comment: Advanced modeling of protein sequence and biophysical properties (such as structural, functional, and spatial information, amino acid conservation, physicochemical variation, residue mobility, and thermodynamic stability) performed at Invitae indicates that this missense variant is not expected to disrupt ANKRD1 protein function. This sequence change replaces serine, which is neutral and polar, with glycine, which is neutral and non-polar, at codon 194 of the ANKRD1 protein (p.Ser194Gly). This variant is present in population databases (no rsID available, gnomAD 0.0009%). This variant has not been reported in the literature in individuals affected with ANKRD1-related conditions. In summary, the available evidence is currently insufficient to determine the role of this variant in disease. Therefore, it has been classified as a Variant of Uncertain Significance.

NM_014391.3(ANKRD1):c.580A>G (p.Ser194Gly)

Gene: ANKRD1 (ankyrin repeat domain 1; minus strand). Cytogenetic location: 10q23.31.
Variant type: single nucleotide variant.
Coding change: c.580A>G on transcript NM_014391.3 (MANE Select); coding-DNA position 580, A replaced by G.
Protein change: p.Ser194Gly; replaces serine 194 with glycine.
Molecular consequence: missense variant.
Genome position (GRCh38, 1-based): chr10:90,916,242, T>C on the plus strand (A>G on the coding strand, the complement: ANKRD1 is on the minus strand). VCF-style: chr10-90916242-T-C. GRCh37 (hg19) VCF-style: chr10-92675999-T-C.
Other names: short protein forms S194G.
Identifiers: ClinVar variation 2825730 (VCV002825730.3), dbSNP rs1482474273, ClinGen allele CA377550863.